The following is an entry in ClinVar:

NM_000057.4(BLM):c.285_286insCTTGGGAGGCTGAGGCAGGAGAATGGCGTGAACCCGGGAGGCGGAGCTTGCAGTGAGCCGAGATCCCGCCACTNNNNNNNNNNAAAAAAAAAAAAAAAAAAAAAAAAATGCTCCAGCA (p.Gly96fs)

Gene: BLM (BLM RecQ like helicase; plus strand). Cytogenetic location: 15q26.1.
Variant type: Microsatellite.
Coding change: c.285_286insCTTGGGAGGCTGAGGCAGGAGAATGGCGTGAACCCGGGAGGCGGAGCTTGCAGTGAGCCGAGATCCCGCCACTNNNNNNNNNNAAAAAAAAAAAAAAAAAAAAAAAAATGCTCCAGCA on transcript NM_000057.4 (MANE Select); coding-DNA positions 285 to 286, CTTGGGAGGCTGAGGCAGGAGAATGGCGTGAACCCGGGAGGCGGAGCTTGCAGTGAGCCGAGATCCCGCCACTNNNNNNNNNNAAAAAAAAAAAAAAAAAAAAAAAAATGCTCCAGCA inserted.
Protein change: p.Gly96fs; shifts the reading frame from glycine 96.
Molecular consequence: frameshift variant. On other transcripts: 5 prime UTR variant (1).
Genome position: GRCh38: chr15:90,749,539-90,749,553. GRCh37 (hg19), VCF-style position (the base before the change): chr15:91,292,768.
Other names: c.285_286insCTTGGGAGGCTGAGGCAGGAGAATGGCGTGAACCCGGGAGGCGGAGCTTGCAGTGAGCCGAGATCCCGCCACTNNNNNNNNNNAAAAAAAAAAAAAAAAAAAAAAAAATGCTCCAGCA, p.Gly96fs (NM_001287246.2, NM_001287247.2); c.-1021_-1007A[5]TGCTCCAGCACTTGGGAGGCTGAGGCAGGAGAATGGCGTGAACCCGGGAGGCGGAGCTTGCAGTGAGCCGAGATCCCGCCACTNNNNNNNNNNAAAAAAAAAAAAAAAAAAAAAAAAATGCTCCAGCA[1] (NM_001287248.2); short protein forms G96fs.
Identifiers: ClinVar variation 4715900 (VCV004715900.1).

ClinVar aggregate classification (germline): Pathogenic (1 of 4 stars; one submission).

Conditions:
Bloom syndrome (BLM). Also called: Bloom-Torre-Machacek syndrome. Identifiers: Orphanet 125, MedGen C0005859, MONDO:0008876, OMIM 210900.

Submission:

Labcorp Genetics (formerly Invitae), Labcorp
Classification: Pathogenic for Bloom syndrome. Last evaluated: 2025-03-25. Review status: criteria provided, single submitter. Criteria: Invitae Variant Classification Sherloc (09022015). Collection method: clinical testing. Allele origin: germline.
Comment: This sequence change inserts a large fragment of DNA, likely a transposable element, in exon 3 of the BLM gene (c.285_286ins?), causing a frameshift at codon 96 (p.Gly96fs). The exact size and sequence of the insertion cannot be determined by the current assay. However, the insertion is expected to result in an absent or disrupted protein product. This variant is not present in population databases (gnomAD no frequency). This variant has not been reported in the literature in individuals affected with BLM-related conditions. Retrotransposon insertions including LINE1 (L1), Alu, and SVA (SINE-VNTR-Alu) have been reported to be disease-causing through disruption of either a coding region or splice site (PMID: 19763152, 20307669, 22406018) and loss-of-function variants in BLM are known to be pathogenic (PMID: 17407155). For these reasons, this variant has been classified as Pathogenic.

Literature cited by the submitters: PubMed 19763152; PubMed 20307669; PubMed 22406018; PubMed 17407155.